The following is an entry in ClinVar:

NC_000016.9:g.(?_30078199)_(30199917_?)dup

Genes: GDPD3 (glycerophosphodiester phosphodiesterase domain containing 3; minus strand), CORO1A-AS1 (CORO1A antisense RNA 1; minus strand), ALDOA (aldolase, fructose-bisphosphate A; plus strand), CORO1A (coronin 1A; plus strand), MAPK3 (mitogen-activated protein kinase 3; minus strand) and 19 more. Cytogenetic location: 16p11.2.
Variant type: Duplication.
Identifiers: ClinVar variation 474494 (VCV000474494.2).

ClinVar aggregate classification (germline): Uncertain significance (1 of 4 stars; one submission).

Conditions:
Severe combined immunodeficiency due to CORO1A deficiency. Also called: IMMUNODEFICIENCY 8 WITH LYMPHOPROLIFERATION; Immunodeficiency 8. Identifiers: Orphanet 228003, MedGen C3809383, MONDO:0014168, OMIM 615401.

Submission:

Labcorp Genetics (formerly Invitae), Labcorp
Classification: Uncertain significance for Immunodeficiency 8. Last evaluated: 2019-02-14. Review status: criteria provided, single submitter. Criteria: Invitae Variant Classification Sherloc (09022015). Collection method: clinical testing. Allele origin: germline.
Comment: A gross duplication of the genomic region encompassing the full coding sequence of the CORO1A gene has been identified. The boundaries of this event are unknown as the duplication extends beyond the assayed region for this gene and therefore may encompass additional genes. As the precise location of this duplication is unknown, it may be in tandem or it may be located elsewhere in the genome. This variant has not been reported in the literature in individuals with CORO1A-related disease. In summary, the available evidence is currently insufficient to determine the role of this variant in disease. Therefore, it has been classified as a Variant of Uncertain Significance.